The following is an entry in ClinVar:

ClinVar aggregate classification (germline): Uncertain significance (1 of 4 stars; one submission).

Submission:

Labcorp Genetics (formerly Invitae), Labcorp
Classification: Uncertain significance. Last evaluated: 2020-10-09. Review status: criteria provided, single submitter. Criteria: Invitae Variant Classification Sherloc (09022015). Collection method: clinical testing. Allele origin: germline.
Comment: In summary, the available evidence is currently insufficient to determine the role of this variant in disease. Therefore, it has been classified as a Variant of Uncertain Significance. Algorithms developed to predict the effect of missense changes on protein structure and function are either unavailable or do not agree on the potential impact of this missense change (SIFT: "Deleterious"; PolyPhen-2: "Probably Damaging"; Align-GVGD: "Class C0"). This variant has not been reported in the literature in individuals with C1QTNF5-related conditions. The frequency data for this variant in the population databases is considered unreliable, as metrics indicate insufficient coverage at this position in the ExAC database. This sequence change replaces aspartic acid with histidine at codon 79 of the C1QTNF5 protein (p.Asp79His). The aspartic acid residue is weakly conserved and there is a moderate physicochemical difference between aspartic acid and histidine.

NM_001278431.2(C1QTNF5):c.235G>C (p.Asp79His)

Genes: C1QTNF5 (C1q and TNF related 5; minus strand), MFRP (membrane frizzled-related protein; minus strand). Cytogenetic location: 11q23.3.
Variant type: single nucleotide variant.
Coding change: c.235G>C on transcript NM_001278431.2 (MANE Select); coding-DNA position 235, G replaced by C.
Protein change: p.Asp79His; replaces aspartic acid 79 with histidine.
Molecular consequence: missense variant. On other transcripts: 3 prime UTR variant (1).
Genome position (GRCh38, 1-based): chr11:119,339,828, C>G on the plus strand (G>C on the coding strand, the complement: C1QTNF5 is on the minus strand). VCF-style: chr11-119339828-C-G. GRCh37 (hg19) VCF-style: chr11-119210538-C-G.
Other names: c.235G>C, p.Asp79His (NM_015645.5); c.*1131G>C (NM_031433.4); short protein forms D79H.
Identifiers: ClinVar variation 1017298 (VCV001017298.8), dbSNP rs1431756047, ClinGen allele CA382970126.